The following is an entry in ClinVar:

ClinVar aggregate classification (germline): Uncertain significance. Review status: criteria provided, multiple submitters, no conflicts (2 of 4 stars). 2 submissions from 2 submitters: Uncertain significance (2). Last evaluated 2025-01-27.

Conditions:
Inborn genetic diseases. Identifiers: MedGen C0950123, MeSH D030342.

Allele frequency attached by ClinVar (database versions not stated): ESP Exome Variant Server 0.00008; gnomAD exomes 0.00009; gnomAD 0.00011; TOPMed 0.00011; ExAC 0.00012.
gnomAD v4.1: 153 of 1,581,762 alleles (0.0097%); highest among the groups gnomAD compares: Non-Finnish European, 0.011%; 1 homozygote.

Submissions (2):

Labcorp Genetics (formerly Invitae), Labcorp
Classification: Uncertain significance. Last evaluated: 2025-01-27. Review status: criteria provided, single submitter. Criteria: Invitae Variant Classification Sherloc (09022015). Collection method: clinical testing. Allele origin: germline.
Comment: This sequence change replaces arginine, which is basic and polar, with cysteine, which is neutral and slightly polar, at codon 711 of the ZNF335 protein (p.Arg711Cys). This variant is present in population databases (rs377754090, gnomAD 0.01%). This variant has not been reported in the literature in individuals affected with ZNF335-related conditions. ClinVar contains an entry for this variant (Variation ID: 2342917). Invitae Evidence Modeling of protein sequence and biophysical properties (such as structural, functional, and spatial information, amino acid conservation, physicochemical variation, residue mobility, and thermodynamic stability) indicates that this missense variant is not expected to disrupt ZNF335 protein function with a negative predictive value of 80%. In summary, the available evidence is currently insufficient to determine the role of this variant in disease. Therefore, it has been classified as a Variant of Uncertain Significance.

Ambry Genetics
Classification: Uncertain significance for Inborn genetic diseases. Last evaluated: 2022-05-27. Review status: criteria provided, single submitter. Criteria: Ambry Variant Classification Scheme 2023. Collection method: clinical testing. Allele origin: germline.

NM_022095.4(ZNF335):c.2131C>T (p.Arg711Cys)

Gene: ZNF335 (zinc finger protein 335; minus strand). Cytogenetic location: 20q13.12.
Variant type: single nucleotide variant.
Coding change: c.2131C>T on transcript NM_022095.4 (MANE Select); coding-DNA position 2131, C replaced by T.
Protein change: p.Arg711Cys; replaces arginine 711 with cysteine.
Molecular consequence: missense variant.
Genome position (GRCh38, 1-based): chr20:45,959,323, G>A on the plus strand (C>T on the coding strand, the complement: ZNF335 is on the minus strand). VCF-style: chr20-45959323-G-A. GRCh37 (hg19) VCF-style: chr20-44587962-G-A.
Other names: short protein forms R711C.
Identifiers: ClinVar variation 2342917 (VCV002342917.4), dbSNP rs377754090, ClinGen allele CA9885476.